The following is an entry in ClinVar:

ClinVar aggregate classification (germline): Uncertain significance (1 of 4 stars; one submission).

Conditions:
Hereditary cancer-predisposing syndrome. Also called: Neoplastic Syndromes, Hereditary; Tumor predisposition; Hereditary Cancer Syndrome; Hereditary neoplastic syndrome. Identifiers: Orphanet 140162, MedGen C0027672, MeSH D009386, MONDO:0015356.

Submission:

Ambry Genetics
Classification: Uncertain significance for Hereditary cancer-predisposing syndrome. Last evaluated: 2022-09-27. Review status: criteria provided, single submitter. Criteria: Ambry Variant Classification Scheme 2023. Collection method: clinical testing. Allele origin: germline.
Comment: The p.S2652Y variant (also known as c.7955C>A), located in coding exon 15 of the APC gene, results from a C to A substitution at nucleotide position 7955. The serine at codon 2652 is replaced by tyrosine, an amino acid with dissimilar properties. This amino acid position is conserved. In addition, in silico predictors for this gene do not accurately predict pathogenicity. Since supporting evidence is limited at this time, the clinical significance of this alteration remains unclear.

NM_000038.6(APC):c.7955C>A (p.Ser2652Tyr)

Gene: APC (APC regulator of Wnt signaling pathway; plus strand). Cytogenetic location: 5q22.2.
Variant type: single nucleotide variant.
Coding change: c.7955C>A on transcript NM_000038.6 (MANE Select); coding-DNA position 7955, C replaced by A.
Protein change: p.Ser2652Tyr; replaces serine 2652 with tyrosine.
Molecular consequence: missense variant.
Genome position (GRCh38, 1-based): chr5:112,843,549, C>A. VCF-style: chr5-112843549-C-A. GRCh37 (hg19) VCF-style: chr5-112179246-C-A.
Other names: c.7832C>A, p.Ser2611Tyr (NM_001354900.2); c.7778C>A, p.Ser2593Tyr (NM_001354901.2, NM_001407453.1); c.7682C>A, p.Ser2561Tyr (NM_001354902.2); c.7880C>A, p.Ser2627Tyr (NM_001354898.2); c.7955C>A, p.Ser2652Tyr (NM_001354895.2, NM_001127510.3, NM_001407450.1); c.8009C>A, p.Ser2670Tyr (NM_001354896.2, NM_001407447.1, NM_001407448.1 and 1 more transcripts); c.7985C>A, p.Ser2662Tyr (NM_001354897.2); c.7871C>A, p.Ser2624Tyr (NM_001354899.2); and 11 more; short protein forms S2561Y, S2611Y, S2662Y, S2369Y, S2492Y, S2523Y, S2526Y, S2551Y.
Identifiers: ClinVar variation 1761367 (VCV001761367.2), dbSNP rs2149996916, ClinGen allele CA16038605.